The following is an entry in ClinVar:

NM_182914.3(SYNE2):c.1852C>G (p.Leu618Val)

Gene: SYNE2 (spectrin repeat containing nuclear envelope protein 2; plus strand). Cytogenetic location: 14q23.2.
Variant type: single nucleotide variant.
Coding change: c.1852C>G on transcript NM_182914.3 (MANE Select); coding-DNA position 1852, C replaced by G.
Protein change: p.Leu618Val; replaces leucine 618 with valine.
Molecular consequence: missense variant.
Genome position (GRCh38, 1-based): chr14:63,982,645, C>G. VCF-style: chr14-63982645-C-G. GRCh37 (hg19) VCF-style: chr14-64449363-C-G.
Other names: c.1852C>G, p.Leu618Val (NM_015180.6); short protein forms L618V.
Identifiers: ClinVar variation 313491 (VCV000313491.19), dbSNP rs199697908, ClinGen allele CA7219538.
Genomic context (GRCh38, chr14:63,982,645, plus strand): 5'-CAATATCGTGTCATTAAGATAGTGTGTTGCTTGTGTATCATGTAGGTACCCTTTGAGACA[C>G]TAGCCCAGTGGAATCTAGAACACGCTACTTTAAATGAAGCAGGAAATTTCTTAGTCGAAG-3'
Protein context (NP_878918.2, residues 608-628): EEIKEVPFET[Leu618Val]AQWNLEHATL

ClinVar aggregate classification (germline): Conflicting classifications of pathogenicity. Review status: criteria provided, conflicting classifications (1 of 4 stars). 4 submissions from 4 submitters: Uncertain significance (1); Benign (1); Likely benign (2). Last evaluated 2026-01-25.

Conditions:
Emery-Dreifuss muscular dystrophy 5, autosomal dominant (EDMD5). Also called: EMERY-DREIFUSS MUSCULAR DYSTROPHY 5. Identifiers: Orphanet 261, MedGen C2751805, MONDO:0013072, OMIM 612999.

Allele frequency attached by ClinVar (database versions not stated): gnomAD exomes 0.00030; 1000 Genomes Project 30x 0.00031; ExAC 0.00034; 1000 Genomes Project 0.00040; gnomAD 0.00085 and 0.00094; TOPMed 0.00102; ESP Exome Variant Server 0.00132.
gnomAD v4.1: 325 of 1,613,826 alleles (0.02%); highest among the groups gnomAD compares: African/African-American, 0.37%; 1 homozygote.

Submissions (4):

Labcorp Genetics (formerly Invitae), Labcorp
Classification: Likely benign for Emery-Dreifuss muscular dystrophy 5, autosomal dominant. Last evaluated: 2026-01-25. Review status: criteria provided, single submitter. Criteria: Invitae Variant Classification Sherloc (09022015). Collection method: clinical testing. Allele origin: germline.

Ambry Genetics
Classification: Uncertain significance. Last evaluated: 2025-08-21. Review status: criteria provided, single submitter. Criteria: Ambry Variant Classification Scheme 2023. Collection method: clinical testing. Allele origin: germline.

Blueprint Genetics
Classification: Likely benign. Last evaluated: 2024-02-12. Review status: criteria provided, single submitter. Criteria: ACMG Guidelines, 2015. Collection method: clinical testing. Allele origin: germline.

Illumina Laboratory Services, Illumina
Classification: Benign for Emery-Dreifuss muscular dystrophy 5, autosomal dominant. Last evaluated: 2018-01-13. Review status: criteria provided, single submitter. Criteria: ICSL Variant Classification Criteria 13 December 2019. Collection method: clinical testing. Allele origin: germline.
Comment: This variant was observed in the ICSL laboratory as part of a predisposition screen in an ostensibly healthy population. It had not been previously curated by ICSL or reported in the Human Gene Mutation Database (HGMD: prior to June 1st, 2018), and was therefore a candidate for classification through an automated scoring system. Utilizing variant allele frequency, disease prevalence and penetrance estimates, and inheritance mode, an automated score was calculated to assess if this variant is too frequent to cause the disease. Based on the score and internal cut-off values, a variant classified as benign is not then subjected to further curation. The score for this variant resulted in a classification of benign for this disease.